The following is an entry in ClinVar:

NM_025103.4(IFT74):c.818dup (p.Ala274fs)

Gene: IFT74 (intraflagellar transport 74; plus strand). Cytogenetic location: 9p21.2.
Variant type: Duplication.
Coding change: c.818dup on transcript NM_025103.4 (MANE Select); coding-DNA position 818, one base duplicated (A; older notation c.818dupA).
Protein change: p.Ala274fs; shifts the reading frame from alanine 274.
Molecular consequence: frameshift variant.
Genome position (GRCh38, 1-based): chr9:27,016,935, A duplicated. VCF-style (leftmost placement, unchanged base first): chr9-27016934-G-GA. GRCh37 (hg19) VCF-style: chr9-27016932-G-GA.
Other names: c.818dup, p.Ala274fs (NM_001099222.3, NM_001099223.3, NM_001099224.3 and 1 more transcripts); short protein forms A274fs.
Identifiers: ClinVar variation 4713789 (VCV004713789.1).

ClinVar aggregate classification (germline): Pathogenic (1 of 4 stars; one submission).

Submission:

Labcorp Genetics (formerly Invitae), Labcorp
Classification: Pathogenic. Last evaluated: 2025-02-25. Review status: criteria provided, single submitter. Criteria: Invitae Variant Classification Sherloc (09022015). Collection method: clinical testing. Allele origin: germline.
Comment: This sequence change creates a premature translational stop signal (p.Ala274Glyfs*6) in the IFT74 gene. It is expected to result in an absent or disrupted protein product. Loss-of-function variants in IFT74 are known to be pathogenic (PMID: 33531668). This variant is not present in population databases (gnomAD no frequency). This variant has not been reported in the literature in individuals affected with IFT74-related conditions. For these reasons, this variant has been classified as Pathogenic.

Literature cited by the submitters: PubMed 33531668.